The following is an entry in ClinVar:

ClinVar aggregate classification (germline): Uncertain significance (1 of 4 stars; one submission).

Conditions:
Charcot-Marie-Tooth disease axonal type 2CC. Also called: CHARCOT-MARIE-TOOTH NEUROPATHY, TYPE 2CC. Identifiers: MedGen C4310790, MONDO:0014836, OMIM 616924.

Allele frequency attached by ClinVar (database versions not stated): gnomAD exomes below 0.00001; TOPMed 0.00001.
gnomAD v4.1: 7 of 1,613,848 alleles (0.00043%); highest among the groups gnomAD compares: African/African-American, 0.0027%; no homozygotes.

Submission:

Gemeinschaftspraxis fuer Humangenetik Dresden
Classification: Uncertain significance for Charcot-Marie-Tooth disease axonal type 2CC. Last evaluated: 2022-08-03. Review status: criteria provided, single submitter. Criteria: ACMG Guidelines, 2015. Collection method: clinical testing. Allele origin: unknown. Inheritance: Autosomal dominant inheritance. Affected: yes.
Comment: The variant is not reported in HGMD 2022.2, gnomAD (v2.1.1), dbSNP (v155) or LOVD so far. In summary, the variant should currently be classified as uncertain significance.

NM_021076.4(NEFH):c.1337T>C (p.Val446Ala)

Gene: NEFH (neurofilament heavy chain; plus strand). Cytogenetic location: 22q12.2.
Variant type: single nucleotide variant.
Coding change: c.1337T>C on transcript NM_021076.4 (MANE Select); coding-DNA position 1337, T replaced by C.
Protein change: p.Val446Ala; replaces valine 446 with alanine.
Molecular consequence: missense variant.
Genome position (GRCh38, 1-based): chr22:29,488,977, T>C. VCF-style: chr22-29488977-T-C. GRCh37 (hg19) VCF-style: chr22-29884966-T-C.
Other names: short protein forms V446A.
Identifiers: ClinVar variation 2691786 (VCV002691786.2), dbSNP rs2063059500, ClinGen allele CA411129321.